The following is an entry in ClinVar:

ClinVar aggregate classification (germline): Uncertain significance (1 of 4 stars; one submission).

Submission:

Labcorp Genetics (formerly Invitae), Labcorp
Classification: Uncertain significance. Last evaluated: 2020-10-09. Review status: criteria provided, single submitter. Criteria: Invitae Variant Classification Sherloc (09022015). Collection method: clinical testing. Allele origin: germline.
Comment: Nucleotide substitutions within the consensus splice site are a relatively common cause of aberrant splicing (PMID: 17576681, 9536098). Algorithms developed to predict the effect of sequence changes on RNA splicing suggest that this variant may disrupt the consensus splice site, but this prediction has not been confirmed by published transcriptional studies. In summary, the available evidence is currently insufficient to determine the role of this variant in disease. Therefore, it has been classified as a Variant of Uncertain Significance. This variant has not been reported in the literature in individuals with KCNJ13-related conditions. This variant is not present in population databases (ExAC no frequency). This sequence change falls in intron 2 of the KCNJ13 gene. It does not directly change the encoded amino acid sequence of the KCNJ13 protein, but it affects a nucleotide within the consensus splice site of the intron.

Literature cited by the submitters: PubMed 17576681; PubMed 9536098.

NM_002242.4(KCNJ13):c.460+6T>C

Genes: GIGYF2 (GRB10 interacting GYF protein 2; plus strand), KCNJ13 (potassium inwardly rectifying channel subfamily J member 13; minus strand). Cytogenetic location: 2q37.1.
Variant type: single nucleotide variant.
Coding change: c.460+6T>C on transcript NM_002242.4 (MANE Select); 6 bases into the intron after coding-DNA position 460, T replaced by C.
Molecular consequence: intron variant.
Genome position (GRCh38, 1-based): chr2:232,770,897, A>G on the plus strand (T>C on the coding strand, the complement: KCNJ13 is on the minus strand). VCF-style: chr2-232770897-A-G. GRCh37 (hg19) VCF-style: chr2-233635607-A-G.
Other names: c.532+9461A>G (NM_001103146.3, NM_015575.4, NM_001103148.2); c.533-5515A>G (NM_001103147.2); c.220+6T>C (NM_001172417.1); c.224+242T>C (NM_001172416.1).
Identifiers: ClinVar variation 1013886 (VCV001013886.8), dbSNP rs1699218611, ClinGen allele CA1335424174.